The following is an entry in ClinVar:

ClinVar aggregate classification (germline): Likely pathogenic (1 of 4 stars; one submission).

Conditions:
Familial thoracic aortic aneurysm and aortic dissection (TAAD). Also called: Thoracic aortic aneurysms and dissections. Identifiers: Orphanet 91387, MedGen C4707243, MONDO:0019625.

Allele frequency attached by ClinVar (database versions not stated): gnomAD exomes below 0.00001.
gnomAD v4.1: 1 of 1,555,212 alleles (0.000064%); highest among the groups gnomAD compares: Non-Finnish European, 0.000087%; no homozygotes.

Submission:

Ambry Genetics
Classification: Likely pathogenic for Familial thoracic aortic aneurysm and aortic dissection. Last evaluated: 2020-11-13. Review status: criteria provided, single submitter. Criteria: Ambry Variant Classification Scheme 2023. Collection method: clinical testing. Allele origin: germline.
Comment: The c.1608+1G>A intronic variant results from a G to A substitution one nucleotide after coding exon 22 of the COL3A1 gene. This variant was not reported in population-based cohorts in the Genome Aggregation Database (gnomAD). This nucleotide position is highly conserved in available vertebrate species. In silico splice site analysis predicts that this alteration will weaken the native splice donor site. Alterations that disrupt the canonical splice site are expected to cause aberrant splicing, resulting in an abnormal protein or a transcript that is subject to nonsense-mediated mRNA decay. As such, this alteration is classified as likely pathogenic.

NM_000090.4(COL3A1):c.1608+1G>A

Gene: COL3A1 (collagen type III alpha 1 chain; plus strand). Cytogenetic location: 2q32.2.
Variant type: single nucleotide variant.
Coding change: c.1608+1G>A on transcript NM_000090.4 (MANE Select); the canonical splice donor site of the intron after coding-DNA position 1608, G replaced by A.
Molecular consequence: splice donor variant.
Genome position (GRCh38, 1-based): chr2:188,995,791, G>A. VCF-style: chr2-188995791-G-A. GRCh37 (hg19) VCF-style: chr2-189860517-G-A.
Identifiers: ClinVar variation 1776323 (VCV001776323.2), dbSNP rs2469133091, ClinGen allele CA349852326.
Genomic context (GRCh38, chr2:188,995,791, plus strand): 5'-CCCAGAGGAGCTGCTGGAGAACCTGGCAGAGATGGCGTCCCTGGAGGTCCAGGAATGAGG[G>A]TACAGAGAAACATTTGTTTGAATGACACTTTAATTTAGACAGAAGAAAGGCAAGACAAAT-3'